The following is an entry in ClinVar:

ClinVar aggregate classification (germline): Pathogenic (1 of 4 stars; one submission).

Conditions:
Nephronophthisis. Also called: Juvenile Nephronophthisis. Identifiers: Orphanet 655, MedGen C0687120, MONDO:0019005, HP:0000090.
Meckel-Gruber syndrome. Also called: DYSENCEPHALIA SPLANCHNOCYSTICA; GRUBER SYNDROME; Dysencephalia splachnocystica. Identifiers: Orphanet 564, MedGen C0265215, MONDO:0018921.
Joubert syndrome. Also called: CEREBELLOPARENCHYMAL DISORDER IV; JOUBERT-BOLTSHAUSER SYNDROME; Familial aplasia of the vermis. Identifiers: Orphanet 475, MedGen C5979921, MONDO:0018772.

Submission:

Labcorp Genetics (formerly Invitae), Labcorp
Classification: Pathogenic for Joubert syndrome; Meckel-Gruber syndrome; Nephronophthisis. Last evaluated: 2021-08-13. Review status: criteria provided, single submitter. Criteria: Invitae Variant Classification Sherloc (09022015). Collection method: clinical testing. Allele origin: germline.
Comment: For these reasons, this variant has been classified as Pathogenic. This variant has not been reported in the literature in individuals affected with CEP290-related conditions. This variant is not present in population databases (ExAC no frequency). This sequence change creates a premature translational stop signal (p.Lys600*) in the CEP290 gene. It is expected to result in an absent or disrupted protein product. Loss-of-function variants in CEP290 are known to be pathogenic (PMID: 16909394, 17345604, 20690115).

Literature cited by the submitters: PubMed 16909394; PubMed 17345604; PubMed 20690115.

NM_025114.4(CEP290):c.1798A>T (p.Lys600Ter)

Gene: CEP290 (centrosomal protein 290; minus strand). Cytogenetic location: 12q21.32.
Variant type: single nucleotide variant.
Coding change: c.1798A>T on transcript NM_025114.4 (MANE Select); coding-DNA position 1798, A replaced by T.
Protein change: p.Lys600Ter; replaces lysine 600 with a stop codon.
Molecular consequence: nonsense.
Genome position (GRCh38, 1-based): chr12:88,117,059, T>A on the plus strand (A>T on the coding strand, the complement: CEP290 is on the minus strand). VCF-style: chr12-88117059-T-A. GRCh37 (hg19) VCF-style: chr12-88510836-T-A.
Other names: short protein forms K600*.
Identifiers: ClinVar variation 1452602 (VCV001452602.6), dbSNP rs2137836218, ClinGen allele CA385978073.